The following is an entry in ClinVar:

ClinVar aggregate classification (germline): Likely pathogenic (1 of 4 stars; one submission).

Conditions:
Dilated cardiomyopathy 1G (CMD1G). Identifiers: Orphanet 154, MedGen C1858763, MONDO:0011400, OMIM 604145.
Autosomal recessive limb-girdle muscular dystrophy type 2J (LGMDR10). Also called: Limb-girdle muscular dystrophy, type 2J; MUSCULAR DYSTROPHY, LIMB-GIRDLE, AUTOSOMAL RECESSIVE 10. Identifiers: Orphanet 140922, MedGen C1837342, MONDO:0012127, OMIM 608807.

Submission:

Labcorp Genetics (formerly Invitae), Labcorp
Classification: Likely pathogenic for Dilated cardiomyopathy 1G; Autosomal recessive limb-girdle muscular dystrophy type 2J. Last evaluated: 2024-04-08. Review status: criteria provided, single submitter. Criteria: Invitae Variant Classification Sherloc (09022015). Collection method: clinical testing. Allele origin: germline.
Comment: This sequence change creates a premature translational stop signal (p.Ser26934*) in the TTN gene. It is expected to disrupt RNA splicing and likely results in a truncated or disrupted TTN protein. This variant is not present in population databases (gnomAD no frequency). This premature translational stop signal has been observed in individual(s) with dilated cardiomyopathy (Invitae). ClinVar contains an entry for this variant (Variation ID: 1916468). This variant is located in the A band of TTN (PMID: 25589632). Truncating variants in this region are significantly overrepresented in patients affected with dilated cardiomyopathy (PMID: 25589632). Truncating variants in this region have also been reported in individuals affected with autosomal recessive centronuclear myopathy (PMID: 23975875). In summary, the currently available evidence indicates that the variant is pathogenic, but additional data are needed to prove that conclusively. Therefore, this variant has been classified as Likely Pathogenic.

Literature cited by the submitters: PubMed 25589632; PubMed 23975875.

NM_001267550.2(TTN):c.80801C>G (p.Ser26934Ter)

Genes: TTN-AS1 (TTN antisense RNA 1; plus strand), TTN (titin; minus strand). Cytogenetic location: 2q31.2.
Variant type: single nucleotide variant.
Coding change: c.80801C>G on transcript NM_001267550.2 (MANE Select); coding-DNA position 80801, C replaced by G.
Protein change: p.Ser26934Ter; replaces serine 26934 with a stop codon.
Molecular consequence: nonsense.
Genome position (GRCh38, 1-based): chr2:178,565,331, G>C on the plus strand (C>G on the coding strand, the complement: TTN is on the minus strand). VCF-style: chr2-178565331-G-C. GRCh37 (hg19) VCF-style: chr2-179430058-G-C.
Other names: c.75878C>G, p.Ser25293Ter (NM_001256850.1); c.53606C>G, p.Ser17869Ter (NM_003319.4); c.73097C>G, p.Ser24366Ter (NM_133378.4); c.53981C>G, p.Ser17994Ter (NM_133432.3); c.54182C>G, p.Ser18061Ter (NM_133437.4); short protein forms S18061*, S24366*, S26934*, S17994*, S17869*, S25293*.
Identifiers: ClinVar variation 1916468 (VCV001916468.5), dbSNP rs2468243373, ClinGen allele CA349586011.